The following is an entry in ClinVar:

ClinVar aggregate classification (germline): Uncertain significance. Review status: criteria provided, multiple submitters, no conflicts (2 of 4 stars). 3 submissions from 3 submitters: Uncertain significance (3). Last evaluated 2024-12-16.

Conditions:
Inborn genetic diseases. Identifiers: MedGen C0950123, MeSH D030342.
Sulfite oxidase deficiency. Also called: Isolated sulfite oxidase deficiency. Identifiers: Orphanet 833, Orphanet 99731, MedGen C0268624, MONDO:0010089, OMIM 272300, HP:0003643.

Allele frequency attached by ClinVar (database versions not stated): gnomAD below 0.00001 and 0.00001; TOPMed below 0.00001; gnomAD exomes 0.00001 and 0.00002; ExAC 0.00002.

Submissions (3):

Labcorp Genetics (formerly Invitae), Labcorp
Classification: Uncertain significance for Sulfite oxidase deficiency. Last evaluated: 2024-12-16. Review status: criteria provided, single submitter. Criteria: Invitae Variant Classification Sherloc (09022015). Collection method: clinical testing. Allele origin: germline.
Comment: This sequence change replaces arginine, which is basic and polar, with glutamine, which is neutral and polar, at codon 529 of the SUOX protein (p.Arg529Gln). This variant is present in population databases (rs754321646, gnomAD 0.009%). This variant has not been reported in the literature in individuals affected with SUOX-related conditions. ClinVar contains an entry for this variant (Variation ID: 309844). Invitae Evidence Modeling of protein sequence and biophysical properties (such as structural, functional, and spatial information, amino acid conservation, physicochemical variation, residue mobility, and thermodynamic stability) has been performed for this missense variant. However, the output from this modeling did not meet the statistical confidence thresholds required to predict the impact of this variant on SUOX protein function. In summary, the available evidence is currently insufficient to determine the role of this variant in disease. Therefore, it has been classified as a Variant of Uncertain Significance.

Ambry Genetics
Classification: Uncertain significance for Inborn genetic diseases. Last evaluated: 2021-07-14. Review status: criteria provided, single submitter. Criteria: Ambry Variant Classification Scheme 2023. Collection method: clinical testing. Allele origin: germline.

Illumina Laboratory Services, Illumina
Classification: Uncertain significance for Sulfite oxidase deficiency. Last evaluated: 2018-01-13. Review status: criteria provided, single submitter. Criteria: ICSL Variant Classification Criteria 13 December 2019. Collection method: clinical testing. Allele origin: germline.

NM_001032386.2(SUOX):c.1586G>A (p.Arg529Gln)

Gene: SUOX (sulfite oxidase; plus strand). Cytogenetic location: 12q13.2.
Variant type: single nucleotide variant.
Coding change: c.1586G>A on transcript NM_001032386.2 (MANE Select); coding-DNA position 1586, G replaced by A.
Protein change: p.Arg529Gln; replaces arginine 529 with glutamine.
Molecular consequence: missense variant.
Genome position (GRCh38, 1-based): chr12:56,004,975, G>A. VCF-style: chr12-56004975-G-A. GRCh37 (hg19) VCF-style: chr12-56398759-G-A.
Other names: c.1586G>A, p.Arg529Gln (NM_000456.3, NM_001032387.2); short protein forms R529Q.
Identifiers: ClinVar variation 309844 (VCV000309844.13), dbSNP rs754321646, ClinGen allele CA6621186.